The following is an entry in ClinVar:

NM_001165963.4(SCN1A):c.3862G>C (p.Asp1288His)

Genes: SCN1A (sodium voltage-gated channel alpha subunit 1; minus strand), LOC102724058 (uncharacterized LOC102724058; plus strand). Cytogenetic location: 2q24.3.
Variant type: single nucleotide variant.
Coding change: c.3862G>C on transcript NM_001165963.4 (MANE Select); coding-DNA position 3862, G replaced by C.
Protein change: p.Asp1288His; replaces aspartic acid 1288 with histidine.
Molecular consequence: missense variant. On other transcripts: non-coding transcript variant (1).
Genome position (GRCh38, 1-based): chr2:166,012,126, C>G on the plus strand (G>C on the coding strand, the complement: SCN1A is on the minus strand). VCF-style: chr2-166012126-C-G. GRCh37 (hg19) VCF-style: chr2-166868636-C-G.
Other names: c.3778G>C, p.Asp1260His (NM_001165964.3, NM_001353957.2, NM_001353958.2); c.3862G>C, p.Asp1288His (NM_001202435.3, NM_001353948.2); c.3829G>C, p.Asp1277His (NM_001353949.2, NM_001353950.2, NM_001353951.2 and 2 more transcripts); c.3826G>C, p.Asp1276His (NM_001353954.2, NM_001353955.2); c.3775G>C, p.Asp1259His (NM_001353960.2); c.1420G>C, p.Asp474His (NM_001353961.2); short protein forms D1277H, D1288H, D1259H, D1276H, D1260H, D474H.
Identifiers: ClinVar variation 451870 (VCV000451870.3), dbSNP rs1553531134, ClinGen allele CA349053912.

ClinVar aggregate classification (germline): Likely pathogenic (1 of 4 stars; one submission).

Submission:

GeneDx
Classification: Likely pathogenic. Last evaluated: 2019-03-06. Review status: criteria provided, single submitter. Criteria: GeneDx Variant Classification Process June 2021. Collection method: clinical testing. Allele origin: germline. Affected: yes.
Comment: Not observed in large population cohorts (Lek et al., 2016); The majority of missense variants in this gene are considered pathogenic (Stenson et al., 2014); In silico analysis, which includes protein predictors and evolutionary conservation, supports a deleterious effect; This substitution is predicted to be within the transmembrane segment S3 of the third homologous domain